The following is an entry in ClinVar:

ClinVar aggregate classification (germline): Conflicting classifications of pathogenicity. Review status: criteria provided, conflicting classifications (1 of 4 stars). 5 submissions from 5 submitters: Uncertain significance (4); Likely benign (1). Last evaluated 2025-12-15.

Conditions:
Inborn genetic diseases. Identifiers: MedGen C0950123, MeSH D030342.

Allele frequency attached by ClinVar (database versions not stated): gnomAD exomes 0.00002 and 0.00007; ExAC 0.00010; TOPMed 0.00014; gnomAD 0.00017 and 0.00019; 1000 Genomes Project 30x 0.00031; ESP Exome Variant Server 0.00031; 1000 Genomes Project 0.00040.
gnomAD v4.1: 63 of 1,367,710 alleles (0.0046%); highest among the groups gnomAD compares: African/African-American, 0.044%; 1 homozygote.

Submissions (5):

Women's Health and Genetics/Laboratory Corporation of America, LabCorp
Classification: Uncertain significance. Last evaluated: 2025-12-15. Review status: criteria provided, single submitter. Criteria: LabCorp Variant Classification Summary - May 2015. Collection method: clinical testing. Allele origin: germline.
Comment: Variant summary: COL11A2 c.1002G>C (p.Glu334Asp) results in a conservative amino acid change in the encoded protein sequence. Algorithms developed to predict the effect of missense changes on protein structure and function are either unavailable or do not agree on the potential impact of this missense change. The variant allele was found at a frequency of 6.8e-05 in 251246 control chromosomes. This frequency is not significantly higher than estimated for disease-causing variants in COL11A2, allowing no conclusion about variant significance. c.1002G>C has been observed in an individual with Pierre Robin Sequence who also carries a balanced translocation that is believed to be causative for the phenotype (example: Rekab_2025). This report does not provide unequivocal conclusions about association of the variant with Otospondylomegaepiphyseal Dysplasia. To our knowledge, no experimental evidence demonstrating an impact on protein function has been reported. ClinVar contains an entry for this variant (Variation ID: 1254592). Based on the evidence outlined above, the variant was classified as uncertain significance.

Labcorp Genetics (formerly Invitae), Labcorp
Classification: Likely benign. Last evaluated: 2025-09-15. Review status: criteria provided, single submitter. Criteria: Invitae Variant Classification Sherloc (09022015). Collection method: clinical testing. Allele origin: germline.

GeneDx
Classification: Uncertain significance. Last evaluated: 2025-06-22. Review status: criteria provided, single submitter. Criteria: GeneDx Variant Classification Process June 2021. Collection method: clinical testing. Allele origin: germline. Affected: yes.
Comment: Has not been previously reported in peer-reviewed literature as pathogenic or benign to our knowledge. However, in an abstract by Rekab et al. (2025), this variant was identified in an individual with cleft palate and Pierre Robin sequence who also harbored a balanced translocation that may contribute to the phenotype (Rekab2025[Abstract]); In silico analysis suggests that this missense variant does not alter protein structure/function; This variant is associated with the following publications: (PMID: Rekab2025[Abstract])

Ambry Genetics
Classification: Uncertain significance for Inborn genetic diseases. Last evaluated: 2024-07-02. Review status: criteria provided, single submitter. Criteria: Ambry Variant Classification Scheme 2023. Collection method: clinical testing. Allele origin: germline.

Revvity Omics, Revvity
Classification: Uncertain significance. Last evaluated: 2023-02-27. Review status: criteria provided, single submitter. Criteria: ACMG Guidelines, 2015. Collection method: clinical testing. Allele origin: germline.

NM_080680.3(COL11A2):c.1002G>C (p.Glu334Asp)

Gene: COL11A2 (collagen type XI alpha 2 chain; minus strand). Cytogenetic location: 6p21.32.
Variant type: single nucleotide variant.
Coding change: c.1002G>C on transcript NM_080680.3 (MANE Select); coding-DNA position 1002, G replaced by C.
Protein change: p.Glu334Asp; replaces glutamic acid 334 with aspartic acid.
Molecular consequence: missense variant. On other transcripts: intron variant (2).
Genome position (GRCh38, 1-based): chr6:33,184,262, C>G on the plus strand (G>C on the coding strand, the complement: COL11A2 is on the minus strand). VCF-style: chr6-33184262-C-G. GRCh37 (hg19) VCF-style: chr6-33152039-C-G.
Other names: c.798+2365G>C (NM_080679.3); c.861+730G>C (NM_080681.3); short protein forms E334D.
Identifiers: ClinVar variation 1254592 (VCV001254592.18), dbSNP rs34415548, ClinGen allele CA3751494.